The following is an entry in ClinVar:

NM_000388.4(CASR):c.2570T>C (p.Ile857Thr)

Gene: CASR (calcium sensing receptor; plus strand). Cytogenetic location: 3q21.1.
Variant type: single nucleotide variant.
Coding change: c.2570T>C on transcript NM_000388.4 (MANE Select); coding-DNA position 2570, T replaced by C.
Protein change: p.Ile857Thr; replaces isoleucine 857 with threonine.
Molecular consequence: missense variant.
Genome position (GRCh38, 1-based): chr3:122,284,524, T>C. VCF-style: chr3-122284524-T-C. GRCh37 (hg19) VCF-style: chr3-122003371-T-C.
Other names: p.Ile857Thr; c.2600T>C, p.Ile867Thr (NM_001178065.2); short protein forms I857T, I867T.
Identifiers: ClinVar variation 597124 (VCV000597124.18), dbSNP rs766445416, ClinGen allele CA2569834.

ClinVar aggregate classification (germline): Conflicting classifications of pathogenicity. Review status: criteria provided, conflicting classifications (1 of 4 stars). 5 submissions from 5 submitters: Uncertain significance (4); Likely benign (1). Last evaluated 2025-11-17.

Conditions:
Autosomal dominant hypocalcemia 1 (HYPOC1). Also called: HYPOCALCEMIA, FAMILIAL. Identifiers: MedGen C3715128, MONDO:0011013, OMIM 601198.
Familial hypocalciuric hypercalcemia (FHH). Also called: Familial benign hypercalcemia. Identifiers: Orphanet 405, MedGen C1809471, MONDO:0018458.
Nephrolithiasis/nephrocalcinosis. Identifiers: MedGen CN580796.
Neonatal severe primary hyperparathyroidism. Identifiers: Orphanet 417, MedGen C1832615, MONDO:0009397, OMIM 239200.
Epilepsy, idiopathic generalized, susceptibility to, 8. Identifiers: MedGen C2752062, MONDO:0013032, OMIM 612899.
Familial hypocalciuric hypercalcemia 1. Also called: Hypercalcemia, familial benign type 1. Identifiers: Orphanet 405, Orphanet 93372, MedGen C0342637, MONDO:0007791, OMIM 145980.

Allele frequency attached by ClinVar (database versions not stated): ExAC 0.00001; gnomAD exomes 0.00001; TOPMed 0.00001; gnomAD 0.00002.
gnomAD v4.1: 21 of 1,613,558 alleles (0.0013%); highest among the groups gnomAD compares: Non-Finnish European, 0.0016%; no homozygotes.

Submissions (5):

Labcorp Genetics (formerly Invitae), Labcorp
Classification: Likely benign for Familial hypocalciuric hypercalcemia; Autosomal dominant hypocalcemia 1. Last evaluated: 2025-11-17. Review status: criteria provided, single submitter. Criteria: Invitae Variant Classification Sherloc (09022015). Collection method: clinical testing. Allele origin: germline.

Mayo Clinic Laboratories, Mayo Clinic
Classification: Uncertain significance. Last evaluated: 2024-01-22. Review status: criteria provided, single submitter. Criteria: ACMG Guidelines, 2015. Collection method: clinical testing. Allele origin: germline. Observed: 1 variant allele.
Comment: PP2

Ambry Genetics
Classification: Uncertain significance for Nephrolithiasis/nephrocalcinosis. Last evaluated: 2022-11-10. Review status: criteria provided, single submitter. Criteria: Ambry Variant Classification Scheme 2023. Collection method: clinical testing. Allele origin: germline.
Comment: The p.I857T variant (also known as c.2570T>C), located in coding exon 6 of the CASR gene, results from a T to C substitution at nucleotide position 2570. The isoleucine at codon 857 is replaced by threonine, an amino acid with similar properties. This amino acid position is poorly conserved in available vertebrate species. In addition, the in silico prediction for this alteration is inconclusive. Since supporting evidence is limited at this time, the clinical significance of this alteration remains unclear.

Fulgent Genetics
Classification: Uncertain significance for Familial hypocalciuric hypercalcemia 1; Neonatal severe primary hyperparathyroidism; Autosomal dominant hypocalcemia 1; Epilepsy, idiopathic generalized, susceptibility to, 8. Last evaluated: 2022-02-15. Review status: criteria provided, single submitter. Criteria: ACMG Guidelines, 2015. Collection method: clinical testing. Allele origin: unknown.

Eurofins Ntd Llc (ga)
Classification: Uncertain significance. Last evaluated: 2018-05-25. Review status: criteria provided, single submitter. Criteria: EGL ClinVar v180209 classification definitions. Collection method: clinical testing. Allele origin: germline. Observed: 2 variant alleles, 2 heterozygotes.